The following is an entry in ClinVar:

NM_004364.5(CEBPA):c.479T>C (p.Ile160Thr)

Gene: CEBPA (CCAAT enhancer binding protein alpha; minus strand). Cytogenetic location: 19q13.11.
Variant type: single nucleotide variant.
Coding change: c.479T>C on transcript NM_004364.5 (MANE Select); coding-DNA position 479, T replaced by C.
Protein change: p.Ile160Thr; replaces isoleucine 160 with threonine.
Molecular consequence: missense variant.
Genome position (GRCh38, 1-based): chr19:33,301,936, A>G on the plus strand (T>C on the coding strand, the complement: CEBPA is on the minus strand). VCF-style: chr19-33301936-A-G. GRCh37 (hg19) VCF-style: chr19-33792842-A-G.
Other names: c.122T>C, p.Ile41Thr (NM_001285829.2); c.584T>C, p.Ile195Thr (NM_001287424.2); c.437T>C, p.Ile146Thr (NM_001287435.2); short protein forms I146T, I41T, I160T, I195T.
Identifiers: ClinVar variation 4000006 (VCV004000006.1).
Genomic context (GRCh38, chr19:33,301,936, plus strand): 5'-GGGAAGAGGCCGGCCAGCGCCAGCTGCTTGGCTTCATCCTCCTCGCGGGGCTCCTGCTTG[A>G]TCACCAGCGGCCGCAGCGCCGGCGCCCCGACGCGCTCGTACAGGGGCTCCAGCCTGCCGT-3'
Protein context (NP_004355.2, residues 150-170): VGAPALRPLV[Ile160Thr]KQEPREEDEA

ClinVar aggregate classification (germline): Uncertain significance (1 of 4 stars; one submission).

Conditions:
Inborn genetic diseases. Identifiers: MedGen C0950123, MeSH D030342.

Submission:

Ambry Genetics
Classification: Uncertain significance for Inborn genetic diseases. Last evaluated: 2025-05-03. Review status: criteria provided, single submitter. Criteria: Ambry Variant Classification Scheme 2023. Collection method: clinical testing. Allele origin: germline.
Comment: The p.I160T variant (also known as c.479T>C), located in coding exon 1 of the CEBPA gene, results from a T to C substitution at nucleotide position 479. The isoleucine at codon 160 is replaced by threonine, an amino acid with similar properties. This amino acid position is conserved. In addition, this alteration is predicted to be tolerated by in silico analysis. Based on the available evidence, the clinical significance of this variant remains unclear.